The following is an entry in ClinVar:

ClinVar aggregate classification (germline): Likely pathogenic (1 of 4 stars; one submission).

Conditions:
RPGRIP1L-related disorder. Also called: RPGRIP1L-related condition; RPGRIP1L-related disorders. Identifiers: MedGen CN239416.

Submission:

PreventionGenetics, part of Exact Sciences
Classification: Likely pathogenic for RPGRIP1L-related condition. Last evaluated: 2025-06-11. Review status: criteria provided, single submitter. Criteria: ACMG Guidelines, 2015. Collection method: clinical testing. Allele origin: germline.
Comment: The RPGRIP1L c.2748G>A variant is predicted to result in premature protein termination (p.Trp916*). To our knowledge, this variant has not been reported in the literature or in a large population database (gnomAD), indicating this variant is rare. Nonsense variants in RPGRIP1L are expected to be pathogenic. This variant is interpreted as likely pathogenic.

NM_015272.5(RPGRIP1L):c.2748G>A (p.Trp916Ter)

Gene: RPGRIP1L (RPGRIP1 like; minus strand). Cytogenetic location: 16q12.2.
Variant type: single nucleotide variant.
Coding change: c.2748G>A on transcript NM_015272.5 (MANE Select); coding-DNA position 2748, G replaced by A.
Protein change: p.Trp916Ter; replaces tryptophan 916 with a stop codon.
Molecular consequence: nonsense.
Genome position (GRCh38, 1-based): chr16:53,641,411, C>T on the plus strand (G>A on the coding strand, the complement: RPGRIP1L is on the minus strand). VCF-style: chr16-53641411-C-T. GRCh37 (hg19) VCF-style: chr16-53675323-C-T.
Other names: c.2748G>A, p.Trp916Ter (NM_001127897.4, NM_001308334.3, NM_001330538.2); short protein forms W916*.
Identifiers: ClinVar variation 2631654 (VCV002631654.2), dbSNP rs2544048142, ClinGen allele CA395927368.